The following is an entry in ClinVar:

ClinVar aggregate classification (germline): Likely benign. Review status: criteria provided, multiple submitters, no conflicts (2 of 4 stars). 3 submissions from 3 submitters: Likely benign (2). 1 of the submissions does not count toward it. Last evaluated 2026-09-01.

Conditions:
TRAK1-related disorder. Also called: TRAK1-related condition.

Allele frequency attached by ClinVar (database versions not stated): gnomAD 0.00001; gnomAD exomes 0.00001 and 0.00003; TOPMed 0.00001; ExAC 0.00002.
gnomAD v4.1: 48 of 1,614,012 alleles (0.003%); highest among the groups gnomAD compares: Non-Finnish European, 0.0037%; no homozygotes.

Submissions (3):

CeGaT Center for Human Genetics Tuebingen
Classification: Likely benign. Last evaluated: 2026-09-01. Review status: criteria provided, single submitter. Criteria: CeGaT Center For Human Genetics Tuebingen Variant Classification Criteria Version 2. Collection method: clinical testing. Allele origin: germline. Affected: yes. Observed: 3 variant alleles.
Comment: TRAK1: BP4, BP7

Blueprint Genetics
Classification: Likely benign. Last evaluated: 2024-09-18. Review status: criteria provided, single submitter. Criteria: ACMG Guidelines, 2015. Collection method: clinical testing. Allele origin: germline.

PreventionGenetics, part of Exact Sciences
Classification: Likely benign for TRAK1-related condition. Last evaluated: 2019-03-26. Review status: no assertion criteria provided. Collection method: clinical testing. Allele origin: germline. Not counted in ClinVar's aggregate classification.
Comment: This variant is classified as likely benign based on ACMG/AMP sequence variant interpretation guidelines (Richards et al. 2015 PMID: 25741868, with internal and published modifications).

NM_001042646.3(TRAK1):c.327T>C (p.Tyr109=)

Gene: TRAK1 (trafficking kinesin protein 1; plus strand). Cytogenetic location: 3p22.1.
Variant type: single nucleotide variant.
Coding change: c.327T>C on transcript NM_001042646.3 (MANE Select); coding-DNA position 327, T replaced by C.
Protein change: p.Tyr109=; no amino-acid change (tyrosine 109 retained).
Molecular consequence: synonymous variant. On other transcripts: non-coding transcript variant (1).
Genome position (GRCh38, 1-based): chr3:42,176,854, T>C. VCF-style: chr3-42176854-T-C. GRCh37 (hg19) VCF-style: chr3-42218346-T-C.
Other names: c.327T>C (NM_001042646.2); c.327T>C, p.Tyr109= (NM_001265608.2, NM_001349246.2, NM_001349247.2); c.105T>C, p.Tyr35= (NM_001265609.2, NM_001265610.1, NM_001349248.1 and 1 more transcripts); c.15T>C, p.Tyr5= (NM_001349245.1); c.153T>C, p.Tyr51= (NM_014965.5).
Identifiers: ClinVar variation 1013468 (VCV001013468.40), dbSNP rs777634059, ClinGen allele CA2333057.